The following is an entry in ClinVar:

NM_000268.4(NF2):c.449A>G (p.Tyr150Cys)

Gene: NF2 (NF2, moesin-ezrin-radixin like (MERLIN) tumor suppressor; plus strand). Cytogenetic location: 22q12.2.
Variant type: single nucleotide variant.
Coding change: c.449A>G on transcript NM_000268.4 (MANE Select); coding-DNA position 449, A replaced by G.
Protein change: p.Tyr150Cys; replaces tyrosine 150 with cysteine.
Molecular consequence: missense variant. On other transcripts: 5 prime UTR variant (1), intron variant (1).
Genome position (GRCh38, 1-based): chr22:29,654,658, A>G. VCF-style: chr22-29654658-A-G. GRCh37 (hg19) VCF-style: chr22-30050647-A-G.
Other names: c.335A>G, p.Tyr112Cys (NM_001407053.1, NM_001407056.1); c.326A>G, p.Tyr109Cys (NM_001407054.1, NM_001407058.1, NM_001407062.1 and 1 more transcripts); c.323A>G, p.Tyr108Cys (NM_001407055.1, NM_181828.3); c.449A>G, p.Tyr150Cys (NM_001407057.1, NM_001407059.1, NM_001407060.1 and 4 more transcripts); c.200A>G, p.Tyr67Cys (NM_001407063.1, NM_001407064.1, NM_181830.3 and 1 more transcripts); c.-192A>G (NM_001407065.1); c.218A>G, p.Tyr73Cys (NM_001407067.1); c.447+12373A>G (NM_181833.3); short protein forms Y108C, Y109C, Y112C, Y150C, Y67C, Y73C.
Identifiers: ClinVar variation 3605859 (VCV003605859.3).
Genomic context (GRCh38, chr22:29,654,658, plus strand): 5'-TCAGAAATGGCAGTTATCTTTAGAATCTCAATCGCCTGCTCTCCCTTTCTTCTTTCCAGT[A>G]TGGTGACTACGACCCCAGTGTTCACAAGCGGGGATTTTTGGCCCAAGAGGAATTGCTTCC-3'
Protein context (NP_000259.1, residues 140-160): LLASYAVQAK[Tyr150Cys]GDYDPSVHKR

ClinVar aggregate classification (germline): Uncertain significance. Review status: criteria provided, multiple submitters, no conflicts (2 of 4 stars). 2 submissions from 2 submitters: Uncertain significance (2). Last evaluated 2026-04-22.

Conditions:
Hereditary cancer-predisposing syndrome. Also called: Hereditary neoplastic syndrome; Tumor predisposition; Hereditary Cancer Syndrome; Neoplastic Syndromes, Hereditary. Identifiers: Orphanet 140162, MedGen C0027672, MeSH D009386, MONDO:0015356.
Neurofibromatosis, type 2 (SWNV). Also called: BILATERAL ACOUSTIC NEUROFIBROMATOSIS; SCHWANNOMATOSIS, VESTIBULAR; NF2-Related Schwannomatosis. Identifiers: Orphanet 637, MedGen C0027832, MONDO:0007039, OMIM 101000. Disease mechanism: loss of function.

gnomAD v4.1: 1 of 1,613,754 alleles (0.000062%); highest among the groups gnomAD compares: Non-Finnish European, 0.000085%; no homozygotes.

Submissions (2):

Ambry Genetics
Classification: Uncertain significance for Hereditary cancer-predisposing syndrome. Last evaluated: 2026-04-22. Review status: criteria provided, single submitter. Criteria: Ambry Variant Classification Scheme 2023. Collection method: clinical testing. Allele origin: germline.
Comment: The p.Y150C variant (also known as c.449A>G), located in coding exon 5 of the NF2 gene, results from an A to G substitution at nucleotide position 449. The tyrosine at codon 150 is replaced by cysteine, an amino acid with highly dissimilar properties. This amino acid position is well conserved in available vertebrate species. In addition, this alteration is predicted to be deleterious by in silico analysis. Based on the available evidence, the clinical significance of this variant remains unclear.

Labcorp Genetics (formerly Invitae), Labcorp
Classification: Uncertain significance for Neurofibromatosis, type 2. Last evaluated: 2024-02-14. Review status: criteria provided, single submitter. Criteria: Invitae Variant Classification Sherloc (09022015). Collection method: clinical testing. Allele origin: germline.
Comment: This sequence change replaces tyrosine, which is neutral and polar, with cysteine, which is neutral and slightly polar, at codon 150 of the NF2 protein (p.Tyr150Cys). This variant is not present in population databases (gnomAD no frequency). This variant has not been reported in the literature in individuals affected with NF2-related conditions. An algorithm developed to predict the effect of missense changes on protein structure and function (PolyPhen-2) suggests that this variant is likely to be disruptive. In summary, the available evidence is currently insufficient to determine the role of this variant in disease. Therefore, it has been classified as a Variant of Uncertain Significance.